The following is an entry in ClinVar:

NM_020812.4(DOCK6):c.1104+2T>C

Gene: DOCK6 (dedicator of cytokinesis 6; minus strand). Cytogenetic location: 19p13.2.
Variant type: single nucleotide variant.
Coding change: c.1104+2T>C on transcript NM_020812.4 (MANE Select); the canonical splice donor site of the intron after coding-DNA position 1104, T replaced by C.
Molecular consequence: splice donor variant.
Genome position (GRCh38, 1-based): chr19:11,243,800, A>G on the plus strand (T>C on the coding strand, the complement: DOCK6 is on the minus strand). VCF-style: chr19-11243800-A-G. GRCh37 (hg19) VCF-style: chr19-11354476-A-G.
Other names: c.1104+2T>C (NM_001367830.1).
Identifiers: ClinVar variation 2955860 (VCV002955860.3), dbSNP rs754888606, ClinGen allele CA9208256.

ClinVar aggregate classification (germline): Likely pathogenic (1 of 4 stars; one submission).

Allele frequency attached by ClinVar (database versions not stated): gnomAD 0.00001; TOPMed 0.00001; ExAC 0.00002; gnomAD exomes 0.00006.
gnomAD v4.1: 92 of 1,613,100 alleles (0.0057%); highest among the groups gnomAD compares: Non-Finnish European, 0.0073%; no homozygotes.

Submission:

Labcorp Genetics (formerly Invitae), Labcorp
Classification: Likely pathogenic. Last evaluated: 2023-11-07. Review status: criteria provided, single submitter. Criteria: Invitae Variant Classification Sherloc (09022015). Collection method: clinical testing. Allele origin: germline.
Comment: This sequence change affects a donor splice site in intron 10 of the DOCK6 gene. It is expected to disrupt RNA splicing. Variants that disrupt the donor or acceptor splice site typically lead to a loss of protein function (PMID: 16199547), and loss-of-function variants in DOCK6 are known to be pathogenic (PMID: 21820096, 25824905). This variant is present in population databases (rs754888606, gnomAD 0.002%). This variant has not been reported in the literature in individuals affected with DOCK6-related conditions. Algorithms developed to predict the effect of sequence changes on RNA splicing suggest that this variant may disrupt the consensus splice site. In summary, the currently available evidence indicates that the variant is pathogenic, but additional data are needed to prove that conclusively. Therefore, this variant has been classified as Likely Pathogenic.

Literature cited by the submitters: PubMed 16199547; PubMed 21820096; PubMed 25824905.